The following is an entry in ClinVar:

NM_000179.3(MSH6):c.1868C>A (p.Pro623His)

Gene: MSH6 (mutS homolog 6; plus strand). Cytogenetic location: 2p16.3.
Variant type: single nucleotide variant.
Coding change: c.1868C>A on transcript NM_000179.3 (MANE Select); coding-DNA position 1868, C replaced by A.
Protein change: p.Pro623His; replaces proline 623 with histidine.
Molecular consequence: missense variant.
Genome position (GRCh38, 1-based): chr2:47,799,851, C>A. VCF-style: chr2-47799851-C-A. GRCh37 (hg19) VCF-style: chr2-48026990-C-A.
Other names: c.1478C>A, p.Pro493His (NM_001281492.2); c.962C>A, p.Pro321His (NM_001281493.2, NM_001281494.2); short protein forms P321H, P493H, P623H.
Identifiers: ClinVar variation 1513604 (VCV001513604.11), dbSNP rs63750462, ClinGen allele CA068212.

ClinVar aggregate classification (germline): Conflicting classifications of pathogenicity. Review status: criteria provided, conflicting classifications (1 of 4 stars). 2 submissions from 2 submitters: Uncertain significance (1); Likely benign (1). Last evaluated 2025-10-16.

Conditions:
Hereditary nonpolyposis colorectal neoplasms. Identifiers: MedGen C0009405, MeSH D003123.
Hereditary cancer-predisposing syndrome. Also called: Tumor predisposition; Neoplastic Syndromes, Hereditary; Hereditary neoplastic syndrome; Hereditary Cancer Syndrome. Identifiers: Orphanet 140162, MedGen C0027672, MeSH D009386, MONDO:0015356.

Allele frequency attached by ClinVar (database versions not stated): gnomAD exomes below 0.00001; ExAC 0.00001.
gnomAD v4.1: 1 of 1,614,032 alleles (0.000062%); highest among the groups gnomAD compares: Admixed American, 0.0017%; no homozygotes.

Submissions (2):

Ambry Genetics
Classification: Uncertain significance for Hereditary cancer-predisposing syndrome. Last evaluated: 2025-10-16. Review status: criteria provided, single submitter. Criteria: Ambry Variant Classification Scheme 2023. Collection method: clinical testing. Allele origin: germline.
Comment: The p.P623H variant (also known as c.1868C>A), located in coding exon 4 of the MSH6 gene, results from a C to A substitution at nucleotide position 1868. The proline at codon 623 is replaced by histidine, an amino acid with similar properties. This amino acid position is not well conserved in available vertebrate species. In addition, the in silico prediction for this alteration is inconclusive. Based on the available evidence, the clinical significance of this variant remains unclear.

Labcorp Genetics (formerly Invitae), Labcorp
Classification: Likely benign for Hereditary nonpolyposis colorectal neoplasms. Last evaluated: 2024-05-06. Review status: criteria provided, single submitter. Criteria: Invitae Variant Classification Sherloc (09022015). Collection method: clinical testing. Allele origin: germline.